The following is an entry in ClinVar:

ClinVar aggregate classification (germline): Uncertain significance (1 of 4 stars; one submission).

Conditions:
ERBIN-related disorder. Also called: ERBIN-related condition.

Submission:

PreventionGenetics, part of Exact Sciences
Classification: Uncertain significance for ERBIN-related condition. Last evaluated: 2026-09-24. Review status: criteria provided, single submitter. Criteria: ACMG Guidelines, 2015. Collection method: clinical testing. Allele origin: germline.
Comment: The ERBIN c.3592G>C variant is predicted to result in the amino acid substitution p.Glu1198Gln. To our knowledge, this variant has not been reported in the literature or in a large population database (gnomAD), indicating this variant is rare. At this time, the clinical significance of this variant is uncertain due to the absence of conclusive functional and genetic evidence.

NM_001253697.2(ERBIN):c.3592G>C (p.Glu1198Gln)

Gene: ERBIN (erbb2 interacting protein; plus strand). Cytogenetic location: 5q12.3.
Variant type: single nucleotide variant.
Coding change: c.3592G>C on transcript NM_001253697.2 (MANE Select); coding-DNA position 3592, G replaced by C.
Protein change: p.Glu1198Gln; replaces glutamic acid 1198 with glutamine.
Molecular consequence: missense variant.
Genome position (GRCh38, 1-based): chr5:66,054,910, G>C. VCF-style: chr5-66054910-G-C. GRCh37 (hg19) VCF-style: chr5-65350738-G-C.
Other names: c.3592G>C, p.Glu1198Gln (NM_001006600.3, NM_001253698.2, NM_001253699.2 and 1 more transcripts); c.3580G>C, p.Glu1194Gln (NM_001253701.2); short protein forms E1198Q, E1194Q.
Identifiers: ClinVar variation 4993683 (VCV004993683.1).